The following is an entry in ClinVar:

NM_004260.4(RECQL4):c.1652C>G (p.Ala551Gly)

Gene: RECQL4 (RecQ like helicase 4; minus strand). Cytogenetic location: 8q24.3.
Variant type: single nucleotide variant.
Coding change: c.1652C>G on transcript NM_004260.4 (MANE Select); coding-DNA position 1652, C replaced by G.
Protein change: p.Ala551Gly; replaces alanine 551 with glycine.
Molecular consequence: missense variant.
Genome position (GRCh38, 1-based): chr8:144,514,494, G>C on the plus strand (C>G on the coding strand, the complement: RECQL4 is on the minus strand). VCF-style: chr8-144514494-G-C. GRCh37 (hg19) VCF-style: chr8-145739878-G-C.
Other names: short protein forms A551G.
Identifiers: ClinVar variation 1468974 (VCV001468974.6), dbSNP rs587778643, ClinGen allele CA372682974.
Genomic context (GRCh38, chr8:144,514,494, plus strand): 5'-GCCCCCACCTTCTGCAGGACAGATTCCCGTTGCTTCCTGGTCATGCCCGAGTGTATGCAG[G>C]CCGCCTTGAGACACGGTGGCAGGCCAGACACCTGCAAATGCAGGAGCGACAGCCGTCATA-3'
Protein context (NP_004251.4, residues 541-561): VSGLPPCLKA[Ala551Gly]CIHSGMTRKQ

ClinVar aggregate classification (germline): Uncertain significance (1 of 4 stars; one submission).

Conditions:
Baller-Gerold syndrome (BGS). Also called: CRANIOSYNOSTOSIS WITH RADIAL DEFECTS. Identifiers: Orphanet 1225, MedGen C0265308, MONDO:0009039, OMIM 218600.

gnomAD v4.1: 1 of 1,612,170 alleles (0.000062%); highest among the groups gnomAD compares: Non-Finnish European, 0.000085%; no homozygotes.

Submission:

Labcorp Genetics (formerly Invitae), Labcorp
Classification: Uncertain significance for Baller-Gerold syndrome. Last evaluated: 2023-07-25. Review status: criteria provided, single submitter. Criteria: Invitae Variant Classification Sherloc (09022015). Collection method: clinical testing. Allele origin: germline.
Comment: Advanced modeling of protein sequence and biophysical properties (such as structural, functional, and spatial information, amino acid conservation, physicochemical variation, residue mobility, and thermodynamic stability) performed at Invitae indicates that this missense variant is not expected to disrupt RECQL4 protein function. In summary, the available evidence is currently insufficient to determine the role of this variant in disease. Therefore, it has been classified as a Variant of Uncertain Significance. ClinVar contains an entry for this variant (Variation ID: 1468974). This variant has not been reported in the literature in individuals affected with RECQL4-related conditions. This variant is not present in population databases (gnomAD no frequency). This sequence change replaces alanine, which is neutral and non-polar, with glycine, which is neutral and non-polar, at codon 551 of the RECQL4 protein (p.Ala551Gly).